The following is an entry in ClinVar:

NM_020937.4(FANCM):c.3650A>G (p.His1217Arg)

Gene: FANCM (FA complementation group M; plus strand). Cytogenetic location: 14q21.2.
Variant type: single nucleotide variant.
Coding change: c.3650A>G on transcript NM_020937.4 (MANE Select); coding-DNA position 3650, A replaced by G.
Protein change: p.His1217Arg; replaces histidine 1217 with arginine.
Molecular consequence: missense variant.
Genome position (GRCh38, 1-based): chr14:45,176,404, A>G. VCF-style: chr14-45176404-A-G. GRCh37 (hg19) VCF-style: chr14-45645607-A-G.
Other names: c.3572A>G, p.His1191Arg (NM_001308133.2); short protein forms H1191R, H1217R.
Identifiers: ClinVar variation 4022789 (VCV004022789.1).

ClinVar aggregate classification (germline): Uncertain significance (1 of 4 stars; one submission).

Conditions:
Inborn genetic diseases. Identifiers: MedGen C0950123, MeSH D030342.

gnomAD v4.1: 1 of 1,613,088 alleles (0.000062%); highest among the groups gnomAD compares: Admixed American, 0.0017%; no homozygotes.

Submission:

Ambry Genetics
Classification: Uncertain significance for Inborn genetic diseases. Last evaluated: 2025-05-17. Review status: criteria provided, single submitter. Criteria: Ambry Variant Classification Scheme 2023. Collection method: clinical testing. Allele origin: germline.
Comment: The p.H1217R variant (also known as c.3650A>G), located in coding exon 14 of the FANCM gene, results from an A to G substitution at nucleotide position 3650. The histidine at codon 1217 is replaced by arginine, an amino acid with highly similar properties. This amino acid position is conserved. In addition, this alteration is predicted to be tolerated by in silico analysis. Based on the available evidence, the clinical significance of this variant remains unclear.